The following is an entry in ClinVar:

ClinVar aggregate classification (germline): Pathogenic (1 of 4 stars; one submission).

Submission:

Labcorp Genetics (formerly Invitae), Labcorp
Classification: Pathogenic. Last evaluated: 2022-05-29. Review status: criteria provided, single submitter. Criteria: Invitae Variant Classification Sherloc (09022015). Collection method: clinical testing. Allele origin: germline.
Comment: This sequence change creates a premature translational stop signal (p.Ala320Argfs*87) in the TRMU gene. While this is not anticipated to result in nonsense mediated decay, it is expected to disrupt the last 102 amino acid(s) of the TRMU protein. This variant is not present in population databases (gnomAD no frequency). This variant has not been reported in the literature in individuals affected with TRMU-related conditions. This variant disrupts a region of the TRMU protein in which other variant(s) (p.Gln358_Val360dup) have been determined to be pathogenic (PMID: 21169334, 30369941). This suggests that this is a clinically significant region of the protein, and that variants that disrupt it are likely to be disease-causing. For these reasons, this variant has been classified as Pathogenic.

Literature cited by the submitters: PubMed 21169334; PubMed 30369941.

NM_018006.5(TRMU):c.954_957dup (p.Ala320fs)

Gene: TRMU (tRNA mitochondrial 2-thiouridylase; plus strand). Cytogenetic location: 22q13.31.
Variant type: Duplication.
Coding change: c.954_957dup on transcript NM_018006.5 (MANE Select); coding-DNA positions 954 to 957, 4 bases duplicated (CGCA; older notation c.954_957dupCGCA).
Protein change: p.Ala320fs; shifts the reading frame from alanine 320.
Molecular consequence: frameshift variant. On other transcripts: non-coding transcript variant (2).
Genome position (GRCh38, 1-based): chr22:46,355,524-46,355,527, CGCA duplicated. VCF-style (leftmost placement, unchanged base first): chr22-46355523-C-CCGCA. GRCh37 (hg19) VCF-style: chr22-46751420-C-CCGCA.
Other names: c.*398_*401dup (NM_001008568.2); c.*492_*495dup (NM_001008570.2); c.612_615dup, p.Ala206fs (NM_001282782.2); c.534_537dup, p.Ala180fs (NM_001282783.2, NM_001282784.2); c.954_957dup, p.Ala320fs (NM_001282785.2); short protein forms A320fs, A180fs, A206fs.
Identifiers: ClinVar variation 2118337 (VCV002118337.4), dbSNP rs2518211598, ClinGen allele CA2580099899.
Genomic context (GRCh38, chr22:46,355,523, plus strand): 5'-CAGCCCTGTACAGGGACCTGCTGAGGACCAGCCGCGTGCACTGGATTGCGGAGGAGCCTC[C>CCGCA]CGCAGCACTGGTCCGGGACAAGATGATGGAGTGCCACTTCCGATTCCGCCACCAGATGGC-3'